The following is an entry in ClinVar:

ClinVar aggregate classification (germline): Likely pathogenic (1 of 4 stars; one submission).

Conditions:
Familial intrahepatic cholestasis. Identifiers: Orphanet 284385, MedGen CN296401, MONDO:0017290.

Submission:

Genomenon, Inc
Classification: Likely pathogenic for Familial intrahepatic cholestasis. Last evaluated: 2026-04-14. Review status: criteria provided, single submitter. Criteria: Genomenon Sequence Variant Interpretation Standards - Updated. Collection method: curation. Allele origin: germline. Affected: yes.
Comment: ABCB11 c.1435-17_1450dup is a duplication variant that affects the acceptor splice site of intron 13. It is predicted to affect mRNA splicing, leading to a deleterious effect on the ABCB11 protein. This variant has been observed in at least one proband with an ABCB11-related disorder (PMID:32087350). It is absent or not present at a significant frequency in gnomAD. In conclusion, we classify ABCB11 c.1435-17_1450dup as a likely pathogenic variant.

Literature cited by the submitters: PubMed 32087350.

NM_003742.4(ABCB11):c.1435-17_1450dup

Gene: ABCB11 (ATP binding cassette subfamily B member 11; minus strand). Cytogenetic location: 2q31.1.
Variant type: Duplication.
Coding change: c.1435-17_1450dup on transcript NM_003742.4 (MANE Select); 17 bases into the intron before coding-DNA position 1435 through coding-DNA position 1450, 33 bases duplicated.
Molecular consequence: splice acceptor variant.
Genome position (GRCh38, 1-based): chr2:168,972,035-168,972,067, 33 bases duplicated. GRCh37 (hg19): chr2:169,828,545-169,828,577.
Identifiers: ClinVar variation 4846690 (VCV004846690.1).
Genomic context (GRCh38, chr2:168,972,034, plus strand): 5'-TCTTGCTCCACTATCCCAATCTGATCTCTAAGCCACTGAATGTTAAGAGAGCGAATGTCA[T>TGGCCATCCACGGTCACCTAGAGAGCATGGGCAC]GGCCATCCACGGTCACCTAGAGAGCATGGGCACAACATCACAACTTTTGGAATCTTTCAG-3'